The following is an entry in ClinVar:

ClinVar aggregate classification (germline): Benign/Likely benign. Review status: criteria provided, multiple submitters, no conflicts (2 of 4 stars). 11 submissions from 10 submitters: Benign (1); Likely benign (6). 4 of the submissions do not count toward it. Last evaluated 2026-02-01.

Conditions:
SDCCAG8-related disorder. Also called: SDCCAG8-Related Disorders; SDCCAG8-related condition.
Senior-Loken syndrome 7 (SLSN7). Identifiers: Orphanet 3156, MedGen C3150877, MONDO:0013326, OMIM 613615.
Bardet-Biedl syndrome 16 (BBS16). Identifiers: Orphanet 110, MedGen C3889474, MONDO:0014444, OMIM 615993.

Allele frequency attached by ClinVar (database versions not stated): TOPMed 0.00137; 1000 Genomes Project 0.00140; gnomAD 0.00142 and 0.00120; ESP Exome Variant Server 0.00108; 1000 Genomes Project 30x 0.00125.
gnomAD v4.1: 3,332 of 1,612,954 alleles (0.21%); highest among the groups gnomAD compares: South Asian, 0.83%; 21 homozygotes.

Submissions (11):

CeGaT Center for Human Genetics Tuebingen
Classification: Likely benign. Last evaluated: 2026-02-01. Review status: criteria provided, single submitter. Criteria: CeGaT Center For Human Genetics Tuebingen Variant Classification Criteria Version 2. Collection method: clinical testing. Allele origin: germline. Affected: yes. Observed: 4 variant alleles.
Comment: SDCCAG8: BP4, BP7, BS2

Labcorp Genetics (formerly Invitae), Labcorp
Classification: Benign for Bardet-Biedl syndrome 16; Senior-Loken syndrome 7. Last evaluated: 2026-02-01. Review status: criteria provided, single submitter. Criteria: Invitae Variant Classification Sherloc (09022015). Collection method: clinical testing. Allele origin: germline.

Blueprint Genetics
Classification: Likely benign. Last evaluated: 2024-11-21. Review status: criteria provided, single submitter. Criteria: ACMG Guidelines, 2015. Collection method: clinical testing. Allele origin: germline.

Illumina Laboratory Services, Illumina
Classification: Likely benign for Senior-Loken syndrome 7. Last evaluated: 2018-01-12. Review status: criteria provided, single submitter. Criteria: ICSL Variant Classification Criteria 13 December 2019. Collection method: clinical testing. Allele origin: germline.
Comment: This variant was observed in the ICSL laboratory as part of a predisposition screen in an ostensibly healthy population. It had not been previously curated by ICSL or reported in the Human Gene Mutation Database (HGMD: prior to June 1st, 2018), and was therefore a candidate for classification through an automated scoring system. Utilizing variant allele frequency, disease prevalence and penetrance estimates, and inheritance mode, an automated score was calculated to assess if this variant is too frequent to cause the disease. Based on the score and internal cut-off values, a variant classified as likely benign is not then subjected to further curation. The score for this variant resulted in a classification of likely benign for this disease.

Illumina Laboratory Services, Illumina
Classification: Likely benign for Bardet-Biedl syndrome 16. Last evaluated: 2018-01-12. Review status: criteria provided, single submitter. Criteria: ICSL Variant Classification Criteria 13 December 2019. Collection method: clinical testing. Allele origin: germline.
Comment: the same text as in the submission from Illumina Laboratory Services, Illumina above.

Genetic Services Laboratory, University of Chicago
Classification: Likely benign. Last evaluated: 2017-01-19. Review status: criteria provided, single submitter. Criteria: ACMG Guidelines, 2015. Collection method: clinical testing. Allele origin: germline. Affected: no.

Breakthrough Genomics
Classification: Likely benign. Review status: criteria provided, single submitter. Criteria: ACMG Guidelines, 2015. Collection method: not provided. Allele origin: germline. Inheritance: Autosomal recessive inheritance. Affected: yes.

PreventionGenetics, part of Exact Sciences
Classification: Benign for SDCCAG8-related condition. Last evaluated: 2021-08-09. Review status: no assertion criteria provided. Collection method: clinical testing. Allele origin: germline. Not counted in ClinVar's aggregate classification.
Comment: This variant is classified as benign based on ACMG/AMP sequence variant interpretation guidelines (Richards et al. 2015 PMID: 25741868, with internal and published modifications).

Clinical Genetics DNA and cytogenetics Diagnostics Lab, Erasmus MC, Erasmus Medical Center
Classification: Likely benign. Review status: no assertion criteria provided. Collection method: clinical testing. Allele origin: germline. Affected: yes. Study: VKGL Data-share Consensus. Not counted in ClinVar's aggregate classification.

Clinical Genetics, Academic Medical Center
Classification: Benign. Review status: no assertion criteria provided. Collection method: clinical testing. Allele origin: germline. Affected: yes. Study: VKGL Data-share Consensus. Not counted in ClinVar's aggregate classification.

Genome Diagnostics Laboratory, University Medical Center Utrecht
Classification: Benign. Review status: no assertion criteria provided. Collection method: clinical testing. Allele origin: germline. Affected: yes. Study: VKGL Data-share Consensus. Not counted in ClinVar's aggregate classification.

NM_006642.5(SDCCAG8):c.279G>A (p.Pro93=)

Gene: SDCCAG8 (SHH signaling and ciliogenesis regulator SDCCAG8; plus strand). Cytogenetic location: 1q43.
Variant type: single nucleotide variant.
Coding change: c.279G>A on transcript NM_006642.5 (MANE Select); coding-DNA position 279, G replaced by A.
Protein change: p.Pro93=; no amino-acid change (proline 93 retained).
Molecular consequence: synonymous variant. On other transcripts: 5 prime UTR variant (4).
Genome position (GRCh38, 1-based): chr1:243,271,036, G>A. VCF-style: chr1-243271036-G-A. GRCh37 (hg19) VCF-style: chr1-243434338-G-A.
Other names: c.-834G>A (NM_001350246.2); c.-722G>A (NM_001350247.2); c.279G>A, p.Pro93= (NM_001350248.2); c.-16G>A (NM_001350249.2); c.-1095G>A (NM_001350251.2).
Identifiers: ClinVar variation 260011 (VCV000260011.50), dbSNP rs145877279, ClinGen allele CA1483254.